The following is an entry in ClinVar:

NM_001267550.2(TTN):c.100325del (p.Val33442fs)

Genes: TTN-AS1 (TTN antisense RNA 1; plus strand), TTN (titin; minus strand), LOC126806420 (BRD4-independent group 4 enhancer GRCh37_chr2:179401104-179402303; plus strand). Cytogenetic location: 2q31.2.
Variant type: Deletion.
Coding change: c.100325del on transcript NM_001267550.2 (MANE Select); coding-DNA position 100325, one base deleted (T; older notation c.100325delT).
Protein change: p.Val33442fs; shifts the reading frame from valine 33442.
Molecular consequence: frameshift variant.
Genome position (GRCh38, 1-based): chr2:178,536,422, A deleted on the plus strand (T on the coding strand, the reverse complement: TTN is on the minus strand). VCF-style (leftmost placement, unchanged base first): chr2-178536421-CA-C. GRCh37 (hg19) VCF-style: chr2-179401148-CA-C.
Other names: c.95402del, p.Val31801fs (NM_001256850.1); c.73130del, p.Val24377fs (NM_003319.4); c.92621del, p.Val30874fs (NM_133378.4); c.73505del, p.Val24502fs (NM_133432.3); c.73706del, p.Val24569fs (NM_133437.4); short protein forms V30874fs, V31801fs, V24502fs, V24377fs, V24569fs, V33442fs.
Identifiers: ClinVar variation 957291 (VCV000957291.10), dbSNP rs1691525574, ClinGen allele CA1139657375.

ClinVar aggregate classification (germline): Likely pathogenic (1 of 4 stars; one submission).

Conditions:
Dilated cardiomyopathy 1G (CMD1G). Identifiers: Orphanet 154, MedGen C1858763, MONDO:0011400, OMIM 604145.
Autosomal recessive limb-girdle muscular dystrophy type 2J (LGMDR10). Also called: Limb-girdle muscular dystrophy, type 2J; MUSCULAR DYSTROPHY, LIMB-GIRDLE, AUTOSOMAL RECESSIVE 10. Identifiers: Orphanet 140922, MedGen C1837342, MONDO:0012127, OMIM 608807.

Submission:

Labcorp Genetics (formerly Invitae), Labcorp
Classification: Likely pathogenic for Dilated cardiomyopathy 1G; Autosomal recessive limb-girdle muscular dystrophy type 2J. Last evaluated: 2019-07-07. Review status: criteria provided, single submitter. Criteria: Invitae Variant Classification Sherloc (09022015). Collection method: clinical testing. Allele origin: germline.
Comment: In summary, the currently available evidence indicates that the variant is pathogenic, but additional data are needed to prove that conclusively. Therefore, this variant has been classified as Likely Pathogenic. This variant is located in the A band of TTN (PMID: 25589632). Truncating variants in this region are significantly overrepresented in patients affected with dilated cardiomyopathy (PMID: 25589632). Truncating variants in this region have also been reported in individuals affected with autosomal recessive centronuclear myopathy (PMID: 23975875). This variant has not been reported in the literature in individuals with TTN-related conditions. This variant is not present in population databases (ExAC no frequency). This sequence change results in a premature translational stop signal in the TTN gene (p.Val33442Glyfs*13). While this is not anticipated to result in nonsense mediated decay, it is expected to create a truncated TTN protein.

Literature cited by the submitters: PubMed 25589632; PubMed 23975875.